The following is an entry in ClinVar:

ClinVar aggregate classification (germline): Uncertain significance (1 of 4 stars; one submission).

Conditions:
ALDH18A1-related disorder. Also called: ALDH18A1-related disorders.

Submission:

PreventionGenetics, part of Exact Sciences
Classification: Uncertain significance for ALDH18A1-related condition. Last evaluated: 2023-01-31. Review status: criteria provided, single submitter. Criteria: ACMG Guidelines, 2015. Collection method: clinical testing. Allele origin: germline.
Comment: The ALDH18A1 c.617C>T variant is predicted to result in the amino acid substitution p.Thr206Ile. To our knowledge, this variant has not been reported in the literature or in a large population database, indicating this variant is rare. At this time, the clinical significance of this variant is uncertain due to the absence of conclusive functional and genetic evidence.

NM_002860.4(ALDH18A1):c.617C>T (p.Thr206Ile)

Gene: ALDH18A1 (aldehyde dehydrogenase 18 family member A1; minus strand). Cytogenetic location: 10q24.1.
Variant type: single nucleotide variant.
Coding change: c.617C>T on transcript NM_002860.4 (MANE Select); coding-DNA position 617, C replaced by T.
Protein change: p.Thr206Ile; replaces threonine 206 with isoleucine.
Molecular consequence: missense variant. On other transcripts: 5 prime UTR variant (1).
Genome position (GRCh38, 1-based): chr10:95,633,591, G>A on the plus strand (C>T on the coding strand, the complement: ALDH18A1 is on the minus strand). VCF-style: chr10-95633591-G-A. GRCh37 (hg19) VCF-style: chr10-97393348-G-A.
Other names: c.617C>T, p.Thr206Ile (NM_001017423.2, NM_001323413.2, NM_001323414.2 and 1 more transcripts); c.284C>T, p.Thr95Ile (NM_001323412.2, NM_001323416.2, NM_001323418.2); c.512C>T, p.Thr171Ile (NM_001323417.2); c.-20C>T (NM_001323419.2); short protein forms T171I, T206I, T95I.
Identifiers: ClinVar variation 2630183 (VCV002630183.1), dbSNP rs2526873622, ClinGen allele CA377705349.